The following is an entry in ClinVar:

NM_152424.4(AMER1):c.341C>G (p.Thr114Ser)

Gene: AMER1 (APC membrane recruitment protein 1; minus strand). Cytogenetic location: Xq11.2.
Variant type: single nucleotide variant.
Coding change: c.341C>G on transcript NM_152424.4 (MANE Select); coding-DNA position 341, C replaced by G.
Protein change: p.Thr114Ser; replaces threonine 114 with serine.
Molecular consequence: missense variant.
Genome position (GRCh38, 1-based): chrX:64,192,946, G>C on the plus strand (C>G on the coding strand, the complement: AMER1 is on the minus strand). VCF-style: chrX-64192946-G-C. GRCh37 (hg19) VCF-style: chrX-63412826-G-C.
Other names: short protein forms T114S.
Identifiers: ClinVar variation 4700051 (VCV004700051.1).

ClinVar aggregate classification (germline): Uncertain significance (1 of 4 stars; one submission).

gnomAD v4.1: 3 of 1,211,803 alleles (0.00025%); highest among the groups gnomAD compares: Non-Finnish European, 0.00022%; no homozygotes.

Submission:

Labcorp Genetics (formerly Invitae), Labcorp
Classification: Uncertain significance. Last evaluated: 2025-04-11. Review status: criteria provided, single submitter. Criteria: Invitae Variant Classification Sherloc (09022015). Collection method: clinical testing. Allele origin: germline.
Comment: This sequence change replaces threonine, which is neutral and polar, with serine, which is neutral and polar, at codon 114 of the AMER1 protein (p.Thr114Ser). This variant is present in population databases (no rsID available, gnomAD 0.006%), including at least one homozygous and/or hemizygous individual. This variant has not been reported in the literature in individuals affected with AMER1-related conditions. An algorithm developed to predict the effect of missense changes on protein structure and function (PolyPhen-2) suggests that this variant is likely to be tolerated. In summary, the available evidence is currently insufficient to determine the role of this variant in disease. Therefore, it has been classified as a Variant of Uncertain Significance.